The following is an entry in ClinVar:

ClinVar aggregate classification (germline): Conflicting classifications of pathogenicity. Review status: criteria provided, conflicting classifications (1 of 4 stars). 6 submissions from 6 submitters: Uncertain significance (5); Benign (1). Last evaluated 2025-12-18.

Conditions:
Cardiovascular phenotype. Identifiers: MedGen CN230736.
Hereditary cancer-predisposing syndrome. Also called: Hereditary neoplastic syndrome; Neoplastic Syndromes, Hereditary; Tumor predisposition; Hereditary Cancer Syndrome. Identifiers: Orphanet 140162, MedGen C0027672, MeSH D009386, MONDO:0015356.
Juvenile myelomonocytic leukemia (JMML). Also called: LEUKEMIA, JUVENILE MYELOMONOCYTIC, SOMATIC. Identifiers: Orphanet 86834, MedGen C0349639, MONDO:0011908, OMIM 607785, HP:0012209.
Neurofibromatosis, type 1 (NF1). Also called: VON RECKLINGHAUSEN DISEASE; Peripheral type neurofibromatosis; NEUROFIBROMATOSIS, TYPE I, SOMATIC; Neurofibromatosis, type I. Identifiers: Orphanet 636, MedGen C0027831, MONDO:0018975, OMIM 162200. Disease mechanism: loss of function.

Allele frequency attached by ClinVar (database versions not stated): gnomAD exomes below 0.00001; ExAC 0.00001; gnomAD 0.00001; 1000 Genomes Project 0.00020; 1000 Genomes Project 30x 0.00031.
gnomAD v4.1: 1 of 1,613,930 alleles (0.000062%); highest among the groups gnomAD compares: Admixed American, 0.0017%; no homozygotes.

Submissions (6):

Labcorp Genetics (formerly Invitae), Labcorp
Classification: Benign for Neurofibromatosis, type 1. Last evaluated: 2025-12-18. Review status: criteria provided, single submitter. Criteria: Invitae Variant Classification Sherloc (09022015). Collection method: clinical testing. Allele origin: germline.

Ambry Genetics
Classification: Uncertain significance for Cardiovascular phenotype; Hereditary cancer-predisposing syndrome. Last evaluated: 2025-10-03. Review status: criteria provided, single submitter. Criteria: Ambry Variant Classification Scheme 2023. Collection method: clinical testing. Allele origin: germline.
Comment: The p.A1746T variant (also known as c.5236G>A), located in coding exon 37 of the NF1 gene, results from a G to A substitution at nucleotide position 5236. The alanine at codon 1746 is replaced by threonine, an amino acid with similar properties. This amino acid position is well conserved in available vertebrate species. In addition, the in silico prediction for this alteration is inconclusive. Since supporting evidence is limited at this time, the clinical significance of this alteration remains unclear.

Quest Diagnostics Nichols Institute San Juan Capistrano
Classification: Uncertain significance. Last evaluated: 2025-03-13. Review status: criteria provided, single submitter. Criteria: Quest Diagnostics criteria. Collection method: clinical testing. Allele origin: unknown.

Baylor Genetics
Classification: Uncertain significance for Juvenile myelomonocytic leukemia. Last evaluated: 2024-02-27. Review status: criteria provided, single submitter. Criteria: ACMG Guidelines, 2015. Collection method: clinical testing. Allele origin: unknown.

GeneDx
Classification: Uncertain significance. Last evaluated: 2022-12-19. Review status: criteria provided, single submitter. Criteria: GeneDx Variant Classification Process June 2021. Collection method: clinical testing. Allele origin: germline. Affected: yes.
Comment: In silico analysis supports that this missense variant does not alter protein structure/function; Has not been previously published as pathogenic or benign to our knowledge; This variant is associated with the following publications: (PMID: 30274822)

Genome-Nilou Lab
Classification: Uncertain significance for Neurofibromatosis, type 1. Last evaluated: 2022-03-15. Review status: criteria provided, single submitter. Criteria: ACMG Guidelines, 2015. Collection method: clinical testing. Allele origin: germline. Affected: no.

NM_001042492.3(NF1):c.5299G>A (p.Ala1767Thr)

Gene: NF1 (neurofibromin 1; plus strand). Cytogenetic location: 17q11.2.
Variant type: single nucleotide variant.
Coding change: c.5299G>A on transcript NM_001042492.3 (MANE Select); coding-DNA position 5299, G replaced by A.
Protein change: p.Ala1767Thr; replaces alanine 1767 with threonine.
Molecular consequence: missense variant.
Genome position (GRCh38, 1-based): chr17:31,327,529, G>A. VCF-style: chr17-31327529-G-A. GRCh37 (hg19) VCF-style: chr17-29654547-G-A.
Other names: c.5236G>A, p.Ala1746Thr (NM_000267.4); short protein forms A1767T, A1746T.
Identifiers: ClinVar variation 480145 (VCV000480145.15), dbSNP rs529905904, ClinGen allele CA8487174.
Genomic context (GRCh38, chr17:31,327,529, plus strand): 5'-CCACTTCACCCCGTCACCACCACTTTCCAGGTTGGTTCTACTGCTGTCCAAGTAACTTCA[G>A]CAGAGCGAACAAAAGTCCTAGGGCAATCAGTCTTTCTAAATGACATTTATTATGCTTCGG-3'
Protein context (NP_001035957.1, residues 1757-1777): VGSTAVQVTS[Ala1767Thr]ERTKVLGQSV